The following is an entry in ClinVar:

ClinVar aggregate classification (germline): Uncertain significance (1 of 4 stars; one submission).

Submission:

Labcorp Genetics (formerly Invitae), Labcorp
Classification: Uncertain significance. Last evaluated: 2022-12-01. Review status: criteria provided, single submitter. Criteria: Invitae Variant Classification Sherloc (09022015). Collection method: clinical testing. Allele origin: germline.
Comment: In summary, the available evidence is currently insufficient to determine the role of this variant in disease. Therefore, it has been classified as a Variant of Uncertain Significance. Algorithms developed to predict the effect of sequence changes on RNA splicing suggest that this variant may create or strengthen a splice site. Algorithms developed to predict the effect of missense changes on protein structure and function (SIFT, PolyPhen-2, Align-GVGD) all suggest that this variant is likely to be disruptive. This variant has not been reported in the literature in individuals affected with RECQL-related conditions. This variant is not present in population databases (gnomAD no frequency). This sequence change replaces cysteine, which is neutral and slightly polar, with serine, which is neutral and polar, at codon 453 of the RECQL protein (p.Cys453Ser).

NM_002907.4(RECQL):c.1357T>A (p.Cys453Ser)

Gene: RECQL (RecQ like helicase; minus strand). Cytogenetic location: 12p12.1.
Variant type: single nucleotide variant.
Coding change: c.1357T>A on transcript NM_002907.4 (MANE Select); coding-DNA position 1357, T replaced by A.
Protein change: p.Cys453Ser; replaces cysteine 453 with serine.
Molecular consequence: missense variant.
Genome position (GRCh38, 1-based): chr12:21,473,641, A>T on the plus strand (T>A on the coding strand, the complement: RECQL is on the minus strand). VCF-style: chr12-21473641-A-T. GRCh37 (hg19) VCF-style: chr12-21626575-A-T.
Other names: c.1357T>A, p.Cys453Ser (NM_032941.3); short protein forms C453S.
Identifiers: ClinVar variation 2817813 (VCV002817813.3), dbSNP rs2540334921, ClinGen allele CA384117821.